The following is an entry in ClinVar:

NM_001572.5(IRF7):c.839C>T (p.Ala280Val)

Gene: IRF7 (interferon regulatory factor 7; minus strand). Cytogenetic location: 11p15.5.
Variant type: single nucleotide variant.
Coding change: c.839C>T on transcript NM_001572.5 (MANE Select); coding-DNA position 839, C replaced by T.
Protein change: p.Ala280Val; replaces alanine 280 with valine.
Molecular consequence: missense variant.
Genome position (GRCh38, 1-based): chr11:613,793, G>A on the plus strand (C>T on the coding strand, the complement: IRF7 is on the minus strand). VCF-style: chr11-613793-G-A. GRCh37 (hg19) VCF-style: chr11-613793-G-A.
Other names: c.839C>T, p.Ala280Val (LRG_1313t1); c.752C>T, p.Ala251Val (NM_004029.4); c.878C>T, p.Ala293Val (NM_004031.4); short protein forms A293V, A280V, A251V.
Identifiers: ClinVar variation 571601 (VCV000571601.8), dbSNP rs1564881781, ClinGen allele CA378979754.
Genomic context (GRCh38, chr11:613,793, plus strand): 5'-TGAGTGACGGGGGTGGGCGGGGACAGGCTGCCCCTTCCTGGGATGCACTCACCTTGCACC[G>A]CGGTGCAGGCGCTTGGGGAGGGTGACAGGTACGGCTCTGCCTGGTGCGGGGACTCTGGGG-3'
Protein context (NP_001563.2, residues 270-290): YLSPSPSACT[Ala280Val]VQEPSPGALD

ClinVar aggregate classification (germline): Uncertain significance (1 of 4 stars; one submission).

Conditions:
Immunodeficiency 39 (IMD39). Identifiers: Orphanet 574918, MedGen C4225358, MONDO:0014597, OMIM 616345.

Allele frequency attached by ClinVar (database versions not stated): gnomAD 0.00001.
gnomAD v4.1: 9 of 1,563,534 alleles (0.00058%); highest among the groups gnomAD compares: Non-Finnish European, 0.00069%; no homozygotes.

Submission:

Labcorp Genetics (formerly Invitae), Labcorp
Classification: Uncertain significance for Immunodeficiency 39. Last evaluated: 2025-01-18. Review status: criteria provided, single submitter. Criteria: Invitae Variant Classification Sherloc (09022015). Collection method: clinical testing. Allele origin: germline.
Comment: This sequence change replaces alanine, which is neutral and non-polar, with valine, which is neutral and non-polar, at codon 293 of the IRF7 protein (p.Ala293Val). This variant is not present in population databases (gnomAD no frequency). This variant has not been reported in the literature in individuals affected with IRF7-related conditions. ClinVar contains an entry for this variant (Variation ID: 571601). Invitae Evidence Modeling of protein sequence and biophysical properties (such as structural, functional, and spatial information, amino acid conservation, physicochemical variation, residue mobility, and thermodynamic stability) indicates that this missense variant is not expected to disrupt IRF7 protein function with a negative predictive value of 80%. In summary, the available evidence is currently insufficient to determine the role of this variant in disease. Therefore, it has been classified as a Variant of Uncertain Significance.